The following is an entry in ClinVar:

NM_016148.5(SHANK1):c.2949C>T (p.Arg983=)

Gene: SHANK1 (SH3 and multiple ankyrin repeat domains 1; minus strand). Cytogenetic location: 19q13.33.
Variant type: single nucleotide variant.
Coding change: c.2949C>T on transcript NM_016148.5 (MANE Select); coding-DNA position 2949, C replaced by T.
Protein change: p.Arg983=; no amino-acid change (arginine 983 retained).
Molecular consequence: synonymous variant.
Genome position (GRCh38, 1-based): chr19:50,669,011, G>A on the plus strand (C>T on the coding strand, the complement: SHANK1 is on the minus strand). VCF-style: chr19-50669011-G-A. GRCh37 (hg19) VCF-style: chr19-51172268-G-A.
Identifiers: ClinVar variation 4084704 (VCV004084704.8).

ClinVar aggregate classification (germline): Likely benign (1 of 4 stars; one submission).

gnomAD v4.1: 5 of 840,372 alleles (0.00059%); highest among the groups gnomAD compares: South Asian, 0.009%; no homozygotes.

Submission:

CeGaT Center for Human Genetics Tuebingen
Classification: Likely benign. Last evaluated: 2025-06-01. Review status: criteria provided, single submitter. Criteria: CeGaT Center For Human Genetics Tuebingen Variant Classification Criteria Version 2. Collection method: clinical testing. Allele origin: germline. Affected: yes. Observed: 1 variant allele.
Comment: SHANK1: BP4, BP7